The following is an entry in ClinVar:

NM_000535.7(PMS2):c.335G>C (p.Ser112Thr)

Gene: PMS2 (PMS1 homolog 2, mismatch repair system component; minus strand). Cytogenetic location: 7p22.1.
Variant type: single nucleotide variant.
Coding change: c.335G>C on transcript NM_000535.7 (MANE Select); coding-DNA position 335, G replaced by C.
Protein change: p.Ser112Thr; replaces serine 112 with threonine.
Molecular consequence: missense variant. On other transcripts: 5 prime UTR variant (9), non-coding transcript variant (1), intron variant (2).
Genome position (GRCh38, 1-based): chr7:6,003,708, C>G on the plus strand (G>C on the coding strand, the complement: PMS2 is on the minus strand). VCF-style: chr7-6003708-C-G. GRCh37 (hg19) VCF-style: chr7-6043339-C-G.
Other names: c.335G>C (NM_000535.5); c.-71G>C (NM_001322003.2, NM_001322004.2, NM_001322005.2 and 3 more transcripts); c.335G>C, p.Ser112Thr (NM_001322006.2, NM_001322014.2); c.-550G>C (NM_001322011.2, NM_001322012.2); c.-150G>C (NM_001322015.2); c.35+264G>C (NM_001322008.2, NM_001322007.2); short protein forms S112T.
Identifiers: ClinVar variation 1397320 (VCV001397320.9), dbSNP rs1219157493, ClinGen allele CA366744560.
Genomic context (GRCh38, chr7:6,003,708, plus strand): 5'-TTCTCTAAGGGGTCAAGTGAGTGGATAAAAATATTGTATCACCTCAGTGCACAAAGTGAG[C>G]TCAGAGCTTCCCCCCGAAAGCCAAAAGTTTCAACCTGAGTTAGGTCGGCAAACTCTTGAA-3'
Protein context (NP_000526.2, residues 102-122): ETFGFRGEAL[Ser112Thr]SLCALSDVTI

ClinVar aggregate classification (germline): Uncertain significance. Review status: criteria provided, multiple submitters, no conflicts (2 of 4 stars). 2 submissions from 2 submitters: Uncertain significance (2). Last evaluated 2025-11-15.

Conditions:
Hereditary nonpolyposis colorectal neoplasms. Identifiers: MedGen C0009405, MeSH D003123.
Hereditary cancer-predisposing syndrome. Also called: Hereditary Cancer Syndrome; Hereditary neoplastic syndrome; Tumor predisposition; Neoplastic Syndromes, Hereditary. Identifiers: Orphanet 140162, MedGen C0027672, MeSH D009386, MONDO:0015356.

Submissions (2):

Ambry Genetics
Classification: Uncertain significance for Hereditary cancer-predisposing syndrome. Last evaluated: 2025-11-15. Review status: criteria provided, single submitter. Criteria: Ambry Variant Classification Scheme 2023. Collection method: clinical testing. Allele origin: germline.
Comment: The p.S112T variant (also known as c.335G>C), located in coding exon 4 of the PMS2 gene, results from a G to C substitution at nucleotide position 335. The serine at codon 112 is replaced by threonine, an amino acid with similar properties. This amino acid position is conserved. In addition, this alteration is predicted to be deleterious by in silico analysis. Based on the available evidence, the clinical significance of this variant remains unclear.

Labcorp Genetics (formerly Invitae), Labcorp
Classification: Uncertain significance for Hereditary nonpolyposis colorectal neoplasms. Last evaluated: 2021-05-26. Review status: criteria provided, single submitter. Criteria: Invitae Variant Classification Sherloc (09022015). Collection method: clinical testing. Allele origin: germline.
Comment: In summary, the available evidence is currently insufficient to determine the role of this variant in disease. Therefore, it has been classified as a Variant of Uncertain Significance. Algorithms developed to predict the effect of missense changes on protein structure and function (SIFT, PolyPhen-2, Align-GVGD) all suggest that this variant is likely to be disruptive, but these predictions have not been confirmed by published functional studies and their clinical significance is uncertain. This variant has not been reported in the literature in individuals with PMS2-related conditions. This variant is not present in population databases (ExAC no frequency). This sequence change replaces serine with threonine at codon 112 of the PMS2 protein (p.Ser112Thr). The serine residue is highly conserved and there is a small physicochemical difference between serine and threonine.